The following is an entry in ClinVar:

NM_012330.4(KAT6B):c.3543G>C (p.Glu1181Asp)

Gene: KAT6B (lysine acetyltransferase 6B; plus strand). Cytogenetic location: 10q22.2.
Variant type: single nucleotide variant.
Coding change: c.3543G>C on transcript NM_012330.4 (MANE Select); coding-DNA position 3543, G replaced by C.
Protein change: p.Glu1181Asp; replaces glutamic acid 1181 with aspartic acid.
Molecular consequence: missense variant.
Genome position (GRCh38, 1-based): chr10:75,025,128, G>C. VCF-style: chr10-75025128-G-C. GRCh37 (hg19) VCF-style: chr10-76784886-G-C.
Other names: c.3543G>C (NM_012330.2); c.2994G>C, p.Glu998Asp (NM_001256468.2, NM_001370138.1); c.2667G>C, p.Glu889Asp (NM_001370141.1, NM_001370142.1, NM_001256469.2 and 2 more transcripts); c.2478G>C, p.Glu826Asp (NM_001370143.1, NM_001370144.1); c.2505G>C, p.Glu835Asp (NM_001370132.1); c.1854G>C, p.Glu618Asp (NM_001370133.1); c.1458G>C, p.Glu486Asp (NM_001370134.1); c.1200G>C, p.Glu400Asp (NM_001370135.1); and 1 more; short protein forms E1181D, E400D, E486D, E618D, E826D, E835D, E889D, E998D.
Identifiers: ClinVar variation 2432973 (VCV002432973.8), dbSNP rs149817329, ClinGen allele CA209704500.

ClinVar aggregate classification (germline): Conflicting classifications of pathogenicity. Review status: criteria provided, conflicting classifications (1 of 4 stars). 3 submissions from 3 submitters: Uncertain significance (2); Likely benign (1). Last evaluated 2025-08-20.

Conditions:
Inborn genetic diseases. Identifiers: MedGen C0950123, MeSH D030342.
Genitopatellar syndrome (GTPTS). Also called: Genitopatellar syndrome (GPS); ABSENT PATELLAE, SCROTAL HYPOPLASIA, RENAL ANOMALIES, FACIAL DYSMORPHISM, AND MENTAL RETARDATION. Identifiers: Orphanet 85201, MedGen C1853566, MONDO:0011640, OMIM 606170.

Allele frequency attached by ClinVar (database versions not stated): TOPMed 0.00002; gnomAD 0.00004; ESP Exome Variant Server 0.00008.
gnomAD v4.1: 6 of 1,614,118 alleles (0.00037%); highest among the groups gnomAD compares: African/African-American, 0.008%; no homozygotes.

Submissions (3):

Labcorp Genetics (formerly Invitae), Labcorp
Classification: Uncertain significance for Genitopatellar syndrome. Last evaluated: 2025-08-20. Review status: criteria provided, single submitter. Criteria: Invitae Variant Classification Sherloc (09022015). Collection method: clinical testing. Allele origin: germline.
Comment: This sequence change replaces glutamic acid, which is acidic and polar, with aspartic acid, which is acidic and polar, at codon 1181 of the KAT6B protein (p.Glu1181Asp). This variant is present in population databases (rs149817329, gnomAD 0.02%). This variant has not been reported in the literature in individuals affected with KAT6B-related conditions. ClinVar contains an entry for this variant (Variation ID: 2432973). An algorithm developed to predict the effect of missense changes on protein structure and function outputs the following: PolyPhen-2: "Benign". The aspartic acid amino acid residue is found in multiple mammalian species, which suggests that this missense change does not adversely affect protein function. In summary, the available evidence is currently insufficient to determine the role of this variant in disease. Therefore, it has been classified as a Variant of Uncertain Significance.

Ambry Genetics
Classification: Likely benign for Inborn genetic diseases. Last evaluated: 2023-01-23. Review status: criteria provided, single submitter. Criteria: Ambry Variant Classification Scheme 2023. Collection method: clinical testing. Allele origin: germline.

Revvity Omics, Revvity
Classification: Uncertain significance. Last evaluated: 2021-11-17. Review status: criteria provided, single submitter. Criteria: ACMG Guidelines, 2015. Collection method: clinical testing. Allele origin: germline.